The following is an entry in ClinVar:

NM_021629.4(GNB4):c.181A>C (p.Met61Leu)

Gene: GNB4 (G protein subunit beta 4; minus strand). Cytogenetic location: 3q26.33.
Variant type: single nucleotide variant.
Coding change: c.181A>C on transcript NM_021629.4 (MANE Select); coding-DNA position 181, A replaced by C.
Protein change: p.Met61Leu; replaces methionine 61 with leucine.
Molecular consequence: missense variant.
Genome position (GRCh38, 1-based): chr3:179,419,421, T>G on the plus strand (A>C on the coding strand, the complement: GNB4 is on the minus strand). VCF-style: chr3-179419421-T-G. GRCh37 (hg19) VCF-style: chr3-179137209-T-G.
Other names: short protein forms M61L.
Identifiers: ClinVar variation 3705962 (VCV003705962.2).

ClinVar aggregate classification (germline): Uncertain significance (1 of 4 stars; one submission).

Conditions:
Charcot-Marie-Tooth disease dominant intermediate F. Identifiers: Orphanet 352670, MedGen C4749463, MONDO:0014074, OMIM 615185.

Submission:

Labcorp Genetics (formerly Invitae), Labcorp
Classification: Uncertain significance for Charcot-Marie-Tooth disease dominant intermediate F. Last evaluated: 2024-08-14. Review status: criteria provided, single submitter. Criteria: Invitae Variant Classification Sherloc (09022015). Collection method: clinical testing. Allele origin: germline.
Comment: This sequence change replaces methionine, which is neutral and non-polar, with leucine, which is neutral and non-polar, at codon 61 of the GNB4 protein (p.Met61Leu). This variant is not present in population databases (gnomAD no frequency). This variant has not been reported in the literature in individuals affected with GNB4-related conditions. Invitae Evidence Modeling of protein sequence and biophysical properties (such as structural, functional, and spatial information, amino acid conservation, physicochemical variation, residue mobility, and thermodynamic stability) indicates that this missense variant is not expected to disrupt GNB4 protein function with a negative predictive value of 80%. In summary, the available evidence is currently insufficient to determine the role of this variant in disease. Therefore, it has been classified as a Variant of Uncertain Significance.